The following is an entry in ClinVar:

NM_001039111.3(TRIM71):c.889A>G (p.Ile297Val)

Gene: TRIM71 (tripartite motif containing 71; plus strand). Cytogenetic location: 3p22.3.
Variant type: single nucleotide variant.
Coding change: c.889A>G on transcript NM_001039111.3 (MANE Select); coding-DNA position 889, A replaced by G.
Protein change: p.Ile297Val; replaces isoleucine 297 with valine.
Molecular consequence: missense variant.
Genome position (GRCh38, 1-based): chr3:32,873,854, A>G. VCF-style: chr3-32873854-A-G. GRCh37 (hg19) VCF-style: chr3-32915346-A-G.
Other names: short protein forms I297V.
Identifiers: ClinVar variation 5038824 (VCV005038824.1).
Genomic context (GRCh38, chr3:32,873,854, plus strand): 5'-GCCTGTACCCTCTCTTGTCCCCAGGTGCTGCACCTGTACTGTGACACTTGCTCTGTACCC[A>G]TCTGTCGTGAGTGCACAATGGGCCGGCATGGGGGCCACAGCTTCATCTACCTCCAGGAGG-3'
Protein context (NP_001034200.1, residues 287-307): HLYCDTCSVP[Ile297Val]CRECTMGRHG

ClinVar aggregate classification (germline): Benign (1 of 4 stars; one submission).

gnomAD v4.1: 1,248 of 1,612,668 alleles (0.077%); highest among the groups gnomAD compares: South Asian, 1.3%; 14 homozygotes.

Submission:

CeGaT Center for Human Genetics Tuebingen
Classification: Benign. Last evaluated: 2026-07-01. Review status: criteria provided, single submitter. Criteria: CeGaT Center For Human Genetics Tuebingen Variant Classification Criteria Version 2. Collection method: clinical testing. Allele origin: germline. Affected: yes. Observed: 1 variant allele.
Comment: TRIM71: BS1, BS2